The following is an entry in ClinVar:

NM_022552.5(DNMT3A):c.602G>T (p.Arg201Leu)

Gene: DNMT3A (DNA methyltransferase 3 alpha; minus strand). Cytogenetic location: 2p23.3.
Variant type: single nucleotide variant.
Coding change: c.602G>T on transcript NM_022552.5 (MANE Select); coding-DNA position 602, G replaced by T.
Protein change: p.Arg201Leu; replaces arginine 201 with leucine.
Molecular consequence: missense variant. On other transcripts: non-coding transcript variant (1).
Genome position (GRCh38, 1-based): chr2:25,274,978, C>A on the plus strand (G>T on the coding strand, the complement: DNMT3A is on the minus strand). VCF-style: chr2-25274978-C-A. GRCh37 (hg19) VCF-style: chr2-25497847-C-A.
Other names: c.602G>T, p.Arg201Leu (NM_175629.2); short protein forms R201L.
Identifiers: ClinVar variation 3350083 (VCV003350083.1).

ClinVar aggregate classification (germline): Uncertain significance (0 of 4 stars; one submission).

Conditions:
DNMT3A-related disorder. Also called: DNMT3A-related condition; DNMT3A-related disorders.

Submission:

PreventionGenetics, part of Exact Sciences
Classification: Uncertain significance for DNMT3A-related condition. Last evaluated: 2023-11-22. Review status: no assertion criteria provided. Collection method: clinical testing. Allele origin: germline.
Comment: The DNMT3A c.602G>T variant is predicted to result in the amino acid substitution p.Arg201Leu. To our knowledge, this variant has not been reported in the literature or in a large population database, indicating this variant is rare. At this time, the clinical significance of this variant is uncertain due to the absence of conclusive functional and genetic evidence.